The following is an entry in ClinVar:

NM_017721.5(CC2D1A):c.18ACCCCCGGG[1] (p.7PPG[1])

Gene: CC2D1A (coiled-coil and C2 domain containing 1A; plus strand). Cytogenetic location: 19p13.12.
Variant type: Microsatellite.
Coding change: c.18ACCCCCGGG[1] on transcript NM_017721.5 (MANE Select); one copy of the 9-base unit ACCCCCGGG starting at c.18; the reference has two copies in a row; one copy, 9 bases deleted.
Protein change: p.7PPG[1].
Molecular consequence: inframe deletion.
Genome position (GRCh38, 1-based): chr19:13,906,468-13,906,476, ACCCCCGGG deleted; deleting any 9 consecutive bases within chr19:13,906,457-13,906,476 gives the same sequence; the position shown is the placement nearest the transcript's 3' end. VCF-style (leftmost placement, unchanged base first): chr19-13906456-AGGACCCCCG-A. GRCh37 (hg19) VCF-style: chr19-14017269-AGGACCCCCG-A.
Identifiers: ClinVar variation 377071 (VCV000377071.8), dbSNP rs1028125077, ClinGen allele CA16603255.

ClinVar aggregate classification (germline): Uncertain significance. Review status: criteria provided, multiple submitters, no conflicts (2 of 4 stars). 3 submissions from 3 submitters: Uncertain significance (3). Last evaluated 2024-06-06.

Conditions:
Intellectual developmental disorder, autosomal recessive 3. Also called: Intellectual disability, autosomal recessive 3. Identifiers: Orphanet 88616, MedGen C1838023, MONDO:0012037, OMIM 608443.

Submissions (3):

GeneDx
Classification: Uncertain significance. Last evaluated: 2024-06-06. Review status: criteria provided, single submitter. Criteria: GeneDx Variant Classification Process June 2021. Collection method: clinical testing. Allele origin: germline. Affected: yes.
Comment: Has not been previously published as pathogenic or benign to our knowledge; In-frame deletion of 3 amino acids in a non-repeat region; In silico analysis, which includes protein predictors and evolutionary conservation, supports a deleterious effect

Revvity Omics, Revvity
Classification: Uncertain significance for Intellectual developmental disorder, autosomal recessive 3. Last evaluated: 2021-01-20. Review status: criteria provided, single submitter. Criteria: ACMG Guidelines, 2015. Collection method: clinical testing. Allele origin: germline.

Center for Pediatric Genomic Medicine, Children's Mercy Hospital and Clinics
Classification: Uncertain significance. Last evaluated: 2016-09-13. Review status: criteria provided, single submitter. Criteria: ACMG Guidelines, 2015. Collection method: clinical testing. Allele origin: germline.
ClinVar note: Converted during submission from Uncertain Significance to Uncertain significance.